The following is an entry in ClinVar:

ClinVar aggregate classification (germline): Uncertain significance. Review status: criteria provided, multiple submitters, no conflicts (2 of 4 stars). 4 submissions from 4 submitters: Uncertain significance (4). Last evaluated 2024-09-20.

Conditions:
Microcephaly 4, primary, autosomal recessive. Identifiers: Orphanet 2512, MedGen C1858516, MONDO:0011437, OMIM 604321.

Allele frequency attached by ClinVar (database versions not stated): TOPMed 0.00017; gnomAD 0.00018; gnomAD exomes 0.00023 and 0.00029; ExAC 0.00028; ESP Exome Variant Server 0.00043.
gnomAD v4.1: 319 of 1,446,568 alleles (0.022%); highest among the groups gnomAD compares: South Asian, 0.08%; no homozygotes.

Submissions (4):

3billion
Classification: Uncertain significance for Microcephaly 4, primary, autosomal recessive. Last evaluated: 2024-09-20. Review status: criteria provided, single submitter. Criteria: ACMG Guidelines, 2015. Collection method: clinical testing. Allele origin: germline. Affected: no.
Comment: The variant is observed at an extremely low frequency in the gnomAD v4.1.0 dataset (total allele frequency: 0.022%). In silico tools predict the variant to alter splicing and produce an abnormal transcript [SpliceAI: 0.48 (>=0.2, moderate evidence for spliceogenicity)]. Therefore, this variant was classified as uncertain significance.

Blueprint Genetics
Classification: Uncertain significance. Last evaluated: 2024-08-07. Review status: criteria provided, single submitter. Criteria: ACMG Guidelines, 2015. Collection method: clinical testing. Allele origin: germline.

GeneDx
Classification: Uncertain significance. Last evaluated: 2024-05-24. Review status: criteria provided, single submitter. Criteria: GeneDx Variant Classification Process June 2021. Collection method: clinical testing. Allele origin: germline. Affected: yes.
Comment: Has not been previously published as pathogenic or benign to our knowledge; In silico analysis suggests this variant may impact gene splicing. In the absence of RNA/functional studies, the actual effect of this sequence change is unknown.

Illumina Laboratory Services, Illumina
Classification: Uncertain significance for Microcephaly 4, primary, autosomal recessive. Last evaluated: 2018-01-13. Review status: criteria provided, single submitter. Criteria: ICSL Variant Classification Criteria 13 December 2019. Collection method: clinical testing. Allele origin: germline.

NM_144508.5(KNL1):c.250+4A>G

Gene: KNL1 (kinetochore scaffold 1; plus strand). Cytogenetic location: 15q15.1.
Variant type: single nucleotide variant.
Coding change: c.250+4A>G on transcript NM_144508.5 (MANE Select); 4 bases into the intron after coding-DNA position 250, A replaced by G.
Molecular consequence: intron variant.
Genome position (GRCh38, 1-based): chr15:40,610,301, A>G. VCF-style: chr15-40610301-A-G. GRCh37 (hg19) VCF-style: chr15-40902499-A-G.
Other names: c.250+4A>G (NM_170589.5).
Identifiers: ClinVar variation 887700 (VCV000887700.8), dbSNP rs201508618, ClinGen allele CA7482432.